The following is an entry in ClinVar:

NM_000512.5(GALNS):c.759-2A>G

Gene: GALNS (galactosamine (N-acetyl)-6-sulfatase; minus strand). Cytogenetic location: 16q24.3.
Variant type: single nucleotide variant.
Coding change: c.759-2A>G on transcript NM_000512.5 (MANE Select); the canonical splice acceptor site of the intron before coding-DNA position 759, A replaced by G.
Molecular consequence: splice acceptor variant.
Genome position (GRCh38, 1-based): chr16:88,835,354, T>C on the plus strand (A>G on the coding strand, the complement: GALNS is on the minus strand). VCF-style: chr16-88835354-T-C. GRCh37 (hg19) VCF-style: chr16-88901762-T-C.
Other names: c.204-2A>G (NM_001323543.2); c.777-2A>G (NM_001323544.2).
Identifiers: ClinVar variation 1048298 (VCV001048298.3), dbSNP rs2143001213, ClinGen allele CA397079202.

ClinVar aggregate classification (germline): Likely pathogenic (1 of 4 stars; one submission).

Conditions:
Mucopolysaccharidosis, MPS-IV-A (MPS4A). Also called: Mucopolysaccharidosis type IV A; Mucopolysaccharidosis Type IVA; Morquio syndrome A, mild; MORQUIO SYNDROME A; MPS IVA; mucopolysaccharidosis type 4A. Identifiers: Orphanet 309297, Orphanet 582, MedGen C0086651, MONDO:0009659, OMIM 253000.

Submission:

Laboratory of Diagnosis and Therapy of Lysosomal Disorders, University of Padova
Classification: Likely pathogenic for Mucopolysaccharidosis, MPS-IV-A. Last evaluated: 2021-02-01. Review status: criteria provided, single submitter. Criteria: ACMG Guidelines, 2015. Collection method: curation. Allele origin: germline. Affected: yes.
Comment: Splicing variant in canonical site (PVS1_very strong); absent from gnomAD v2.1.1 (PM2_moderate)

Literature cited by the submitters: PubMed 34387910.